The following is an entry in ClinVar:

NM_000466.3(PEX1):c.3636+6G>C

Genes: GATAD1 (GATA zinc finger domain containing 1; plus strand), PEX1 (peroxisomal biogenesis factor 1; minus strand). Cytogenetic location: 7q21.2.
Variant type: single nucleotide variant.
Coding change: c.3636+6G>C on transcript NM_000466.3 (MANE Select); 6 bases into the intron after coding-DNA position 3636, G replaced by C.
Molecular consequence: intron variant.
Genome position (GRCh38, 1-based): chr7:92,489,708, C>G on the plus strand (G>C on the coding strand, the complement: PEX1 is on the minus strand). VCF-style: chr7-92489708-C-G. GRCh37 (hg19) VCF-style: chr7-92119022-C-G.
Other names: c.3465+6G>C (NM_001282677.2); c.3012+6G>C (NM_001282678.2); c.3636+6G>C (NM_000466.2).
Identifiers: ClinVar variation 2174721 (VCV002174721.5), dbSNP rs1030880599, ClinGen allele CA161952082.

ClinVar aggregate classification (germline): Uncertain significance. Review status: criteria provided, single submitter (1 of 4 stars). 2 submissions from 2 submitters: Uncertain significance (1). 1 of the submissions does not count toward it. Last evaluated 2024-06-23.

Conditions:
PEX1-related disorder. Also called: PEX1-related condition.
Zellweger spectrum disorders (ZS). Also called: Zellweger Spectrum Disorder; Zellweger Spectrum; Zellweger Spectrum Disorder (ZSD); Zellweger syndrome. Identifiers: Orphanet 912, MedGen C0043459, MONDO:0019609.

gnomAD v4.1: 5 of 1,610,490 alleles (0.00031%); highest among the groups gnomAD compares: Non-Finnish European, 0.00042%; no homozygotes.

Submissions (2):

Labcorp Genetics (formerly Invitae), Labcorp
Classification: Uncertain significance for Zellweger spectrum disorders. Last evaluated: 2024-06-23. Review status: criteria provided, single submitter. Criteria: Invitae Variant Classification Sherloc (09022015). Collection method: clinical testing. Allele origin: germline.
Comment: This sequence change falls in intron 22 of the PEX1 gene. It does not directly change the encoded amino acid sequence of the PEX1 protein. It affects a nucleotide within the consensus splice site. This variant is not present in population databases (gnomAD no frequency). This variant has not been reported in the literature in individuals affected with PEX1-related conditions. ClinVar contains an entry for this variant (Variation ID: 2174721). Variants that disrupt the consensus splice site are a relatively common cause of aberrant splicing (PMID: 17576681, 9536098). Algorithms developed to predict the effect of sequence changes on RNA splicing suggest that this variant is not likely to affect RNA splicing. In summary, the available evidence is currently insufficient to determine the role of this variant in disease. Therefore, it has been classified as a Variant of Uncertain Significance.

PreventionGenetics, part of Exact Sciences
Classification: Likely benign for PEX1-related condition. Last evaluated: 2020-09-30. Review status: no assertion criteria provided. Collection method: clinical testing. Allele origin: germline. Not counted in ClinVar's aggregate classification.
Comment: This variant is classified as likely benign based on ACMG/AMP sequence variant interpretation guidelines (Richards et al. 2015 PMID: 25741868, with internal and published modifications).

Literature cited by the submitters: PubMed 17576681 (cited by Labcorp Genetics (formerly Invitae), Labcorp); PubMed 9536098 (cited by Labcorp Genetics (formerly Invitae), Labcorp).